The following is an entry in ClinVar:

NM_001190274.2(FBXO11):c.1148G>A (p.Cys383Tyr)

Gene: FBXO11 (F-box protein 11; minus strand). Cytogenetic location: 2p16.3.
Variant type: single nucleotide variant.
Coding change: c.1148G>A on transcript NM_001190274.2 (MANE Select); coding-DNA position 1148, G replaced by A.
Protein change: p.Cys383Tyr; replaces cysteine 383 with tyrosine.
Molecular consequence: missense variant.
Genome position (GRCh38, 1-based): chr2:47,832,774, C>T on the plus strand (G>A on the coding strand, the complement: FBXO11 is on the minus strand). VCF-style: chr2-47832774-C-T. GRCh37 (hg19) VCF-style: chr2-48059913-C-T.
Other names: c.896G>A, p.Cys299Tyr (NM_001374325.1, NM_025133.4); short protein forms C299Y, C383Y.
Identifiers: ClinVar variation 3252385 (VCV003252385.1), dbSNP rs2531193024.

ClinVar aggregate classification (germline): Uncertain significance (1 of 4 stars; one submission).

Submission:

GeneDx
Classification: Uncertain significance. Last evaluated: 2023-12-07. Review status: criteria provided, single submitter. Criteria: GeneDx Variant Classification Process June 2021. Collection method: clinical testing. Allele origin: germline. Affected: yes.
Comment: Not observed at significant frequency in large population cohorts (gnomAD); In silico analysis supports that this missense variant does not alter protein structure/function; Has not been previously published as pathogenic or benign to our knowledge